The following is an entry in ClinVar:

NM_001395656.1(ROBO2):c.2973T>C (p.Ser991=)

Gene: ROBO2 (roundabout guidance receptor 2; plus strand). Cytogenetic location: 3p12.3.
Variant type: single nucleotide variant.
Coding change: c.2973T>C on transcript NM_001395656.1 (MANE Select); coding-DNA position 2973, T replaced by C.
Protein change: p.Ser991=; no amino-acid change (serine 991 retained).
Molecular consequence: synonymous variant.
Genome position (GRCh38, 1-based): chr3:77,602,316, T>C. VCF-style: chr3-77602316-T-C. GRCh37 (hg19) VCF-style: chr3-77651467-T-C.
Other names: c.3009T>C, p.Ser1003= (NM_001128929.3); c.2973T>C, p.Ser991= (NM_001290039.2, NM_001290040.2, NM_001378202.1); c.1182T>C, p.Ser394= (NM_001290065.2); c.3021T>C, p.Ser1007= (NM_001378190.1, NM_001378191.1, NM_001378195.1 and 4 more transcripts); c.3042T>C, p.Ser1014= (NM_001378192.1, NM_001378194.1, NM_001378198.1 and 2 more transcripts); c.2961T>C, p.Ser987= (NM_001378193.1, NM_001378197.1, NM_002942.5); c.3030T>C, p.Ser1010= (NM_001394212.1, NM_001394214.1, NM_001395657.1).
Identifiers: ClinVar variation 346702 (VCV000346702.10), dbSNP rs200717956, ClinGen allele CA2497496.

ClinVar aggregate classification (germline): Likely benign. Review status: criteria provided, multiple submitters, no conflicts (2 of 4 stars). 2 submissions from 2 submitters: Likely benign (2). Last evaluated 2024-09-23.

Conditions:
Vesicoureteral reflux 2 (VUR2). Identifiers: Orphanet 289365, MedGen C1970483, MONDO:0012573, OMIM 610878.

Allele frequency attached by ClinVar (database versions not stated): ExAC 0.00007; ESP Exome Variant Server 0.00008; gnomAD exomes 0.00010 and 0.00021; gnomAD 0.00013 and 0.00015; TOPMed 0.00017.
gnomAD v4.1: 322 of 1,614,016 alleles (0.02%); highest among the groups gnomAD compares: Non-Finnish European, 0.026%; 1 homozygote.

Submissions (2):

Labcorp Genetics (formerly Invitae), Labcorp
Classification: Likely benign. Last evaluated: 2024-09-23. Review status: criteria provided, single submitter. Criteria: Invitae Variant Classification Sherloc (09022015). Collection method: clinical testing. Allele origin: germline.

Illumina Laboratory Services, Illumina
Classification: Likely benign for Vesicoureteral reflux 2. Last evaluated: 2018-01-13. Review status: criteria provided, single submitter. Criteria: ICSL Variant Classification Criteria 13 December 2019. Collection method: clinical testing. Allele origin: germline.
Comment: This variant was observed in the ICSL laboratory as part of a predisposition screen in an ostensibly healthy population. It had not been previously curated by ICSL or reported in the Human Gene Mutation Database (HGMD: prior to June 1st, 2018), and was therefore a candidate for classification through an automated scoring system. Utilizing variant allele frequency, disease prevalence and penetrance estimates, and inheritance mode, an automated score was calculated to assess if this variant is too frequent to cause the disease. Based on the score and internal cut-off values, a variant classified as likely benign is not then subjected to further curation. The score for this variant resulted in a classification of likely benign for this disease.